The following is an entry in ClinVar:

NM_004104.5(FASN):c.5366T>C (p.Val1789Ala)

Gene: FASN (fatty acid synthase; minus strand). Cytogenetic location: 17q25.3.
Variant type: single nucleotide variant.
Coding change: c.5366T>C on transcript NM_004104.5 (MANE Select); coding-DNA position 5366, T replaced by C.
Protein change: p.Val1789Ala; replaces valine 1789 with alanine.
Molecular consequence: missense variant.
Genome position (GRCh38, 1-based): chr17:82,083,401, A>G on the plus strand (T>C on the coding strand, the complement: FASN is on the minus strand). VCF-style: chr17-82083401-A-G. GRCh37 (hg19) VCF-style: chr17-80041277-A-G.
Other names: short protein forms V1789A.
Identifiers: ClinVar variation 2196740 (VCV002196740.4), dbSNP rs1351554566, ClinGen allele CA401538770.

ClinVar aggregate classification (germline): Uncertain significance (1 of 4 stars; one submission).

Conditions:
Epileptic encephalopathy. Identifiers: MedGen C0543888, HP:0200134.

Allele frequency attached by ClinVar (database versions not stated): gnomAD exomes 0.00001; gnomAD 0.00002; TOPMed 0.00002.

Submission:

Labcorp Genetics (formerly Invitae), Labcorp
Classification: Uncertain significance for Epileptic encephalopathy. Last evaluated: 2022-08-07. Review status: criteria provided, single submitter. Criteria: Invitae Variant Classification Sherloc (09022015). Collection method: clinical testing. Allele origin: germline.
Comment: This sequence change replaces valine, which is neutral and non-polar, with alanine, which is neutral and non-polar, at codon 1789 of the FASN protein (p.Val1789Ala). This variant is present in population databases (no rsID available, gnomAD 0.007%). This variant has not been reported in the literature in individuals affected with FASN-related conditions. Algorithms developed to predict the effect of missense changes on protein structure and function are either unavailable or do not agree on the potential impact of this missense change (SIFT: "Deleterious"; PolyPhen-2: "Probably Damaging"; Align-GVGD: "Class C0"). In summary, the available evidence is currently insufficient to determine the role of this variant in disease. Therefore, it has been classified as a Variant of Uncertain Significance.